The following is an entry in ClinVar:

ClinVar aggregate classification (germline): Uncertain significance (1 of 4 stars; one submission).

Submission:

Labcorp Genetics (formerly Invitae), Labcorp
Classification: Uncertain significance. Last evaluated: 2024-01-06. Review status: criteria provided, single submitter. Criteria: Invitae Variant Classification Sherloc (09022015). Collection method: clinical testing. Allele origin: germline.
Comment: This sequence change replaces tyrosine, which is neutral and polar, with cysteine, which is neutral and slightly polar, at codon 315 of the TAF1 protein (p.Tyr315Cys). This variant is not present in population databases (gnomAD no frequency). This variant has not been reported in the literature in individuals affected with TAF1-related conditions. Advanced modeling of protein sequence and biophysical properties (such as structural, functional, and spatial information, amino acid conservation, physicochemical variation, residue mobility, and thermodynamic stability) performed at Invitae indicates that this missense variant is not expected to disrupt TAF1 protein function with a negative predictive value of 80%. In summary, the available evidence is currently insufficient to determine the role of this variant in disease. Therefore, it has been classified as a Variant of Uncertain Significance.

NM_004606.5(TAF1):c.884A>G (p.Tyr295Cys)

Gene: TAF1 (TATA-box binding protein associated factor 1; plus strand). Cytogenetic location: Xq13.1.
Variant type: single nucleotide variant.
Coding change: c.884A>G on transcript NM_004606.5 (MANE Select); coding-DNA position 884, A replaced by G.
Protein change: p.Tyr295Cys; replaces tyrosine 295 with cysteine.
Molecular consequence: missense variant. On other transcripts: non-coding transcript variant (9).
Genome position (GRCh38, 1-based): chrX:71,377,772, A>G. VCF-style: chrX-71377772-A-G. GRCh37 (hg19) VCF-style: chrX-70597622-A-G.
Other names: c.884A>G, p.Tyr295Cys (NM_001286074.2); c.821A>G, p.Tyr274Cys (NM_138923.4); short protein forms Y295C, Y274C.
Identifiers: ClinVar variation 2893219 (VCV002893219.3), dbSNP rs2520137588, ClinGen allele CA413507889.